The following is an entry in ClinVar:

ClinVar aggregate classification (germline): Uncertain significance (1 of 4 stars; one submission).

Allele frequency attached by ClinVar (database versions not stated): TOPMed 0.00001.

Submission:

GeneDx
Classification: Uncertain significance. Last evaluated: 2022-07-06. Review status: criteria provided, single submitter. Criteria: GeneDx Variant Classification Process June 2021. Collection method: clinical testing. Allele origin: germline. Affected: yes.
Comment: Not observed at significant frequency in large population cohorts (gnomAD); In silico analysis supports that this missense variant does not alter protein structure/function; Has not been previously published as pathogenic or benign to our knowledge

NM_001069.3(TUBB2A):c.164C>A (p.Ala55Asp)

Gene: TUBB2A (tubulin beta 2A class IIa; minus strand). Cytogenetic location: 6p25.2.
Variant type: single nucleotide variant.
Coding change: c.164C>A on transcript NM_001069.3 (MANE Select); coding-DNA position 164, C replaced by A.
Protein change: p.Ala55Asp; replaces alanine 55 with aspartic acid.
Molecular consequence: missense variant. On other transcripts: 5 prime UTR variant (1).
Genome position (GRCh38, 1-based): chr6:3,156,046, G>T on the plus strand (C>A on the coding strand, the complement: TUBB2A is on the minus strand). VCF-style: chr6-3156046-G-T. GRCh37 (hg19) VCF-style: chr6-3156280-G-T.
Other names: c.-224C>A (NM_001310315.2); short protein forms A55D.
Identifiers: ClinVar variation 1810664 (VCV001810664.1), dbSNP rs1323690692, ClinGen allele CA362593383.